The following is an entry in ClinVar:

NM_032482.3(DOT1L):c.3815T>C (p.Leu1272Pro)

Gene: DOT1L (DOT1 like histone lysine methyltransferase; plus strand). Cytogenetic location: 19p13.3.
Variant type: single nucleotide variant.
Coding change: c.3815T>C on transcript NM_032482.3 (MANE Select); coding-DNA position 3815, T replaced by C.
Protein change: p.Leu1272Pro; replaces leucine 1272 with proline.
Molecular consequence: missense variant.
Genome position (GRCh38, 1-based): chr19:2,226,336, T>C. VCF-style: chr19-2226336-T-C. GRCh37 (hg19) VCF-style: chr19-2226335-T-C.
Other names: c.3815T>C, p.Leu1272Pro (NM_001411141.1); short protein forms L1272P.
Identifiers: ClinVar variation 3764253 (VCV003764253.1).

ClinVar aggregate classification (germline): Uncertain significance (1 of 4 stars; one submission).

gnomAD v4.1: 1 of 1,596,246 alleles (0.000063%); highest among the groups gnomAD compares: South Asian, 0.0011%; no homozygotes.

Submission:

GeneDx
Classification: Uncertain significance. Last evaluated: 2024-08-19. Review status: criteria provided, single submitter. Criteria: GeneDx Variant Classification Process June 2021. Collection method: clinical testing. Allele origin: germline. Affected: yes.
Comment: Not observed at significant frequency in large population cohorts (gnomAD); In silico analysis supports that this missense variant has a deleterious effect on protein structure/function; Has not been previously published as pathogenic or benign to our knowledge